The following is an entry in ClinVar:

ClinVar aggregate classification (germline): Conflicting classifications of pathogenicity. Review status: criteria provided, conflicting classifications (1 of 4 stars). 2 submissions from 2 submitters: Pathogenic (1); Uncertain significance (1). Last evaluated 2025-03-18.

Conditions:
Hereditary spastic paraplegia 5A (SPG5A). Also called: SPASTIC PARAPLEGIA 5A, AUTOSOMAL RECESSIVE. Identifiers: Orphanet 100986, MedGen C1849115, MONDO:0010047, OMIM 270800.

Allele frequency attached by ClinVar (database versions not stated): gnomAD exomes below 0.00001.
gnomAD v4.1: 2 of 1,613,254 alleles (0.00012%); highest among the groups gnomAD compares: Non-Finnish European, 0.00017%; no homozygotes.

Submissions (2):

Women's Health and Genetics/Laboratory Corporation of America, LabCorp
Classification: Uncertain significance. Last evaluated: 2025-03-18. Review status: criteria provided, single submitter. Criteria: LabCorp Variant Classification Summary - May 2015. Collection method: clinical testing. Allele origin: germline.
Comment: Variant summary: CYP7B1 c.170G>C (p.Gly57Ala) results in a non-conservative amino acid change in the encoded protein sequence. Five of five in-silico tools predict a damaging effect of the variant on protein function. The variant was absent in 251356 control chromosomes (gnomAD). The available data on variant occurrences in the general population are insufficient to allow any conclusion about variant significance. c.170G>C has been reported in the literature in an individual affected with Hereditary Spastic Paraplegia (Mereaux_2022). This report does not provide unequivocal conclusions about association of the variant with Hereditary Spastic Paraplegia, Type 5a. To our knowledge, no experimental evidence demonstrating an impact on protein function has been reported. The following publication has been ascertained in the context of this evaluation (PMID: 34983064). ClinVar contains an entry for this variant (Variation ID: 989024). Based on the evidence outlined above, the variant was classified as uncertain significance.

Paris Brain Institute, Inserm - ICM
Classification: Pathogenic for Hereditary spastic paraplegia 5A. Review status: criteria provided, single submitter. Criteria: ACMG Guidelines, 2015. Collection method: clinical testing. Allele origin: unknown. Affected: yes. Observed: 1 variant allele.

Literature cited by the submitters: PubMed 34983064 (cited by Women's Health and Genetics/Laboratory Corporation of America, LabCorp).

NM_004820.5(CYP7B1):c.170G>C (p.Gly57Ala)

Gene: CYP7B1 (cytochrome P450 family 7 subfamily B member 1; minus strand). Cytogenetic location: 8q12.3.
Variant type: single nucleotide variant.
Coding change: c.170G>C on transcript NM_004820.5 (MANE Select); coding-DNA position 170, G replaced by C.
Protein change: p.Gly57Ala; replaces glycine 57 with alanine.
Molecular consequence: missense variant.
Genome position (GRCh38, 1-based): chr8:64,624,492, C>G on the plus strand (G>C on the coding strand, the complement: CYP7B1 is on the minus strand). VCF-style: chr8-64624492-C-G. GRCh37 (hg19) VCF-style: chr8-65537049-C-G.
Other names: c.170G>C, p.Gly57Ala (NM_001324112.2); short protein forms G57A.
Identifiers: ClinVar variation 989024 (VCV000989024.2), dbSNP rs1805578327, ClinGen allele CA371338782.